The following is an entry in ClinVar:

ClinVar aggregate classification (germline): Uncertain significance. Review status: criteria provided, multiple submitters, no conflicts (2 of 4 stars). 3 submissions from 3 submitters: Uncertain significance (3). Last evaluated 2025-11-09.

Conditions:
Hereditary cancer-predisposing syndrome. Also called: Neoplastic Syndromes, Hereditary; Hereditary Cancer Syndrome; Tumor predisposition; Hereditary neoplastic syndrome. Identifiers: Orphanet 140162, MedGen C0027672, MeSH D009386, MONDO:0015356.
Cardiovascular phenotype. Identifiers: MedGen CN230736.

Submissions (3):

Labcorp Genetics (formerly Invitae), Labcorp
Classification: Uncertain significance. Last evaluated: 2025-11-09. Review status: criteria provided, single submitter. Criteria: Invitae Variant Classification Sherloc (09022015). Collection method: clinical testing. Allele origin: germline.
Comment: This sequence change replaces valine, which is neutral and non-polar, with alanine, which is neutral and non-polar, at codon 460 of the LZTR1 protein (p.Val460Ala). This variant is not present in population databases (gnomAD no frequency). This variant has not been reported in the literature in individuals affected with LZTR1-related conditions. ClinVar contains an entry for this variant (Variation ID: 928712). Invitae Evidence Modeling of protein sequence and biophysical properties (such as structural, functional, and spatial information, amino acid conservation, physicochemical variation, residue mobility, and thermodynamic stability) indicates that this missense variant is not expected to disrupt LZTR1 protein function with a negative predictive value of 80%. In summary, the available evidence is currently insufficient to determine the role of this variant in disease. Therefore, it has been classified as a Variant of Uncertain Significance.

Ambry Genetics
Classification: Uncertain significance for Cardiovascular phenotype; Hereditary cancer-predisposing syndrome. Last evaluated: 2024-11-18. Review status: criteria provided, single submitter. Criteria: Ambry Variant Classification Scheme 2023. Collection method: clinical testing. Allele origin: germline.
Comment: The p.V460A variant (also known as c.1379T>C), located in coding exon 13 of the LZTR1 gene, results from a T to C substitution at nucleotide position 1379. The valine at codon 460 is replaced by alanine, an amino acid with similar properties. This amino acid position is conserved. In addition, this alteration is predicted to be tolerated by in silico analysis. Since supporting evidence is limited at this time, the clinical significance of this alteration remains unclear.

Women's Health and Genetics/Laboratory Corporation of America, LabCorp
Classification: Uncertain significance. Last evaluated: 2019-08-26. Review status: criteria provided, single submitter. Criteria: LabCorp Variant Classification Summary - May 2015. Collection method: clinical testing. Allele origin: germline.
Comment: Variant summary: LZTR1 c.1379T>C (p.Val460Ala) results in a non-conservative amino acid change located in the BTB/POZ domain (IPR000210) of the encoded protein sequence. Three of five in-silico tools predict a benign effect of the variant on protein function. The variant was absent in 247970 control chromosomes. The available data on variant occurrences in the general population are insufficient to allow any conclusion about variant significance. To our knowledge, no occurrence of c.1379T>C in individuals affected with Noonan Syndrome and Related Conditions and no experimental evidence demonstrating its impact on protein function have been reported. No clinical diagnostic laboratories have submitted clinical-significance assessments for this variant to ClinVar after 2014. Based on the evidence outlined above, the variant was classified as uncertain significance.

NM_006767.4(LZTR1):c.1379T>C (p.Val460Ala)

Gene: LZTR1 (leucine zipper like post translational regulator 1; plus strand). Cytogenetic location: 22q11.21.
Variant type: single nucleotide variant.
Coding change: c.1379T>C on transcript NM_006767.4 (MANE Select); coding-DNA position 1379, T replaced by C.
Protein change: p.Val460Ala; replaces valine 460 with alanine.
Molecular consequence: missense variant.
Genome position (GRCh38, 1-based): chr22:20,993,949, T>C. VCF-style: chr22-20993949-T-C. GRCh37 (hg19) VCF-style: chr22-21348238-T-C.
Other names: short protein forms V460A.
Identifiers: ClinVar variation 928712 (VCV000928712.9), dbSNP rs982153864, ClinGen allele CA410775088.
Genomic context (GRCh38, chr22:20,993,949, plus strand): 5'-CTGTGCCCTCTGCCAGTGCATCATTCTTTGTGCAGAAGGAGGAGTGCGTGCAGGGCCACG[T>C]AGCCATTGTCACAGCGCGGAGCCGCTGGCTTCGCAGGAAGATCACGCAGGCGCGGGAGAG-3'
Protein context (NP_006758.2, residues 450-470): GEKEECVQGH[Val460Ala]AIVTARSRWL